The following is an entry in ClinVar:

ClinVar aggregate classification (germline): Uncertain significance (1 of 4 stars; one submission).

Conditions:
POMC-related disorder. Also called: POMC-related condition; POMC-related disorders.

Submission:

PreventionGenetics, part of Exact Sciences
Classification: Uncertain significance for POMC-related condition. Last evaluated: 2026-03-03. Review status: criteria provided, single submitter. Criteria: ACMG Guidelines, 2015. Collection method: clinical testing. Allele origin: germline.
Comment: The POMC c.605_616delinsGGGCCCAGGCCGACCTGT variant is predicted to result in an in-frame deletion and insertion. This variant was reported in the heterozygous state in an individual with obesity (Kleinendorst et al. 2018. PubMed ID: 29970488). This variant has not been reported in a large population database (gnomAD), indicating this variant is rare. Although we suspect that this variant may be pathogenic, at this time, the clinical significance of this variant is uncertain due to the absence of conclusive functional and genetic evidence.

NM_000939.4(POMC):c.605_616delinsGGGCCCAGGCCGACCTGT (p.Gln202_Glu206delinsArgAlaGlnAlaAspLeuTer)

Gene: POMC (proopiomelanocortin; minus strand). Cytogenetic location: 2p23.3.
Variant type: Indel.
Coding change: c.605_616delinsGGGCCCAGGCCGACCTGT on transcript NM_000939.4 (MANE Select); coding-DNA positions 605 to 616, AGGCCGACCTGG replaced by GGGCCCAGGCCGACCTGT.
Protein change: p.Gln202_Glu206delinsArgAlaGlnAlaAspLeuTer.
Molecular consequence: nonsense.
Genome position (GRCh38, 1-based): chr2:25,161,269-25,161,280, CCAGGTCGGCCT replaced by ACAGGTCGGCCTGGGCCC on the plus strand (AGGCCGACCTGG replaced by GGGCCCAGGCCGACCTGT on the coding strand, the reverse complement: POMC is on the minus strand). VCF-style: chr2-25161269-CCAGGTCGGCCT-ACAGGTCGGCCTGGGCCC. GRCh37 (hg19) VCF-style: chr2-25384138-CCAGGTCGGCCT-ACAGGTCGGCCTGGGCCC.
Other names: c.605_616delinsGGGCCCAGGCCGACCTGT, p.Gln202_Glu206delinsArgAlaGlnAlaAspLeuTer (NM_001035256.3, NM_001319204.2, NM_001319205.2).
Identifiers: ClinVar variation 4999320 (VCV004999320.1).
Genomic context (GRCh38, chr2:25,161,269, plus strand): 5'-AGTGCTCCATCCTGTAGGGGCCCTCGTCCTTCTTCTCGGCCGCCACCAGCAGGCTGTGCT[CCAGGTCGGCCT>ACAGGTCGGCCTGGGCCC]GGGCCCCTGCGCCGTCATCGGCAGGGCCGTCGGGGCCATCTCCCTCCCGGAGTCGCTGGC-3'